The following is an entry in ClinVar:

NM_020778.5(ALPK3):c.491C>T (p.Ser164Leu)

Gene: ALPK3 (alpha kinase 3; plus strand). Cytogenetic location: 15q25.3.
Variant type: single nucleotide variant.
Coding change: c.491C>T on transcript NM_020778.5 (MANE Select); coding-DNA position 491, C replaced by T.
Protein change: p.Ser164Leu; replaces serine 164 with leucine.
Molecular consequence: missense variant.
Genome position (GRCh38, 1-based): chr15:84,839,770, C>T. VCF-style: chr15-84839770-C-T. GRCh37 (hg19) VCF-style: chr15-85383001-C-T.
Other names: c.1097C>T (NM_020778.4); short protein forms S164L.
Identifiers: ClinVar variation 1468784 (VCV001468784.7), dbSNP rs1963635371, ClinGen allele CA393372624.
Genomic context (GRCh38, chr15:84,839,770, plus strand): 5'-AAGAAGATGCCGCCATCTACCAGGCCTCTGCCCAGAACAGCAAGGGCATTGTGTCCTGCT[C>T]AGGGGTCCTGGAGGTGGGCACCATGACTGAGTACAAGATCCACCAGCGCTGGTTCGCCAA-3'
Protein context (NP_065829.4, residues 154-174): AQNSKGIVSC[Ser164Leu]GVLEVGTMTE

ClinVar aggregate classification (germline): Uncertain significance. Review status: criteria provided, multiple submitters, no conflicts (2 of 4 stars). 2 submissions from 2 submitters: Uncertain significance (2). Last evaluated 2023-12-28.

Conditions:
Cardiovascular phenotype. Identifiers: MedGen CN230736.

Allele frequency attached by ClinVar (database versions not stated): gnomAD exomes below 0.00001; TOPMed 0.00001.

Submissions (2):

Ambry Genetics
Classification: Uncertain significance for Cardiovascular phenotype. Last evaluated: 2023-12-28. Review status: criteria provided, single submitter. Criteria: Ambry Variant Classification Scheme 2023. Collection method: clinical testing. Allele origin: germline.

Labcorp Genetics (formerly Invitae), Labcorp
Classification: Uncertain significance. Last evaluated: 2021-09-21. Review status: criteria provided, single submitter. Criteria: Invitae Variant Classification Sherloc (09022015). Collection method: clinical testing. Allele origin: germline.
Comment: This variant is not present in population databases (ExAC no frequency). This sequence change replaces serine with leucine at codon 366 of the ALPK3 protein (p.Ser366Leu). The serine residue is moderately conserved and there is a large physicochemical difference between serine and leucine. This variant has not been reported in the literature in individuals affected with ALPK3-related conditions. In summary, the available evidence is currently insufficient to determine the role of this variant in disease. Therefore, it has been classified as a Variant of Uncertain Significance. Algorithms developed to predict the effect of missense changes on protein structure and function are either unavailable or do not agree on the potential impact of this missense change (SIFT: "Tolerated"; PolyPhen-2: "Probably Damaging"; Align-GVGD: "Class C0").